The following is an entry in ClinVar:

ClinVar aggregate classification (germline): Uncertain significance (1 of 4 stars; one submission).

Submission:

Labcorp Genetics (formerly Invitae), Labcorp
Classification: Uncertain significance. Last evaluated: 2022-05-06. Review status: criteria provided, single submitter. Criteria: Invitae Variant Classification Sherloc (09022015). Collection method: clinical testing. Allele origin: germline.
Comment: Algorithms developed to predict the effect of sequence changes on RNA splicing suggest that this variant may disrupt the consensus splice site. This sequence change creates a premature translational stop signal (p.Val1152Cysfs*46) in the ACACA gene. It is expected to result in an absent or disrupted protein product. However, the current clinical and genetic evidence is not sufficient to establish whether loss-of-function variants in ACACA cause disease. This variant is not present in population databases (gnomAD no frequency). This variant has not been reported in the literature in individuals affected with ACACA-related conditions. In summary, the available evidence is currently insufficient to determine the role of this variant in disease. Therefore, it has been classified as a Variant of Uncertain Significance.

NC_000017.11:g.37221843del

Gene: ACACA (acetyl-CoA carboxylase alpha; minus strand). Cytogenetic location: 17q12.
Variant type: Deletion.
Genome position: GRCh38 VCF-style: chr17-37221841-AC-A. GRCh37 (hg19) VCF-style: chr17-35578762-AC-A.
Identifiers: ClinVar variation 2123557 (VCV002123557.5), dbSNP rs2546081296, ClinGen allele CA2580093598.